The following is an entry in ClinVar:

ClinVar aggregate classification (germline): Uncertain significance (1 of 4 stars; one submission).

Submission:

GeneDx
Classification: Uncertain significance. Last evaluated: 2023-06-16. Review status: criteria provided, single submitter. Criteria: GeneDx Variant Classification Process June 2021. Collection method: clinical testing. Allele origin: germline. Affected: yes.
Comment: Not observed at significant frequency in large population cohorts (gnomAD); In silico analysis supports that this missense variant does not alter protein structure/function; Has not been previously published as pathogenic or benign to our knowledge

NM_005859.5(PURA):c.652C>G (p.Leu218Val)

Gene: PURA (purine rich element binding protein A; plus strand). Cytogenetic location: 5q31.3.
Variant type: single nucleotide variant.
Coding change: c.652C>G on transcript NM_005859.5 (MANE Select); coding-DNA position 652, C replaced by G.
Protein change: p.Leu218Val; replaces leucine 218 with valine.
Molecular consequence: missense variant.
Genome position (GRCh38, 1-based): chr5:140,114,833, C>G. VCF-style: chr5-140114833-C-G. GRCh37 (hg19) VCF-style: chr5-139494418-C-G.
Other names: short protein forms L218V.
Identifiers: ClinVar variation 3252943 (VCV003252943.1), dbSNP rs2479505832.